The following is an entry in ClinVar:

ClinVar aggregate classification (germline): Uncertain significance (1 of 4 stars; one submission).

Allele frequency attached by ClinVar (database versions not stated): TOPMed 0.00001; ExAC 0.00002; gnomAD exomes 0.00002; ESP Exome Variant Server 0.00008.

Submission:

Labcorp Genetics (formerly Invitae), Labcorp
Classification: Uncertain significance. Last evaluated: 2024-08-05. Review status: criteria provided, single submitter. Criteria: Invitae Variant Classification Sherloc (09022015). Collection method: clinical testing. Allele origin: germline.
Comment: This sequence change replaces serine, which is neutral and polar, with arginine, which is basic and polar, at codon 1861 of the KMT2A protein (p.Ser1861Arg). This variant is present in population databases (rs374588598, gnomAD 0.003%). This variant has not been reported in the literature in individuals affected with KMT2A-related conditions. ClinVar contains an entry for this variant (Variation ID: 1928371). Advanced modeling of protein sequence and biophysical properties (such as structural, functional, and spatial information, amino acid conservation, physicochemical variation, residue mobility, and thermodynamic stability) performed at Invitae indicates that this missense variant is not expected to disrupt KMT2A protein function with a negative predictive value of 95%. In summary, the available evidence is currently insufficient to determine the role of this variant in disease. Therefore, it has been classified as a Variant of Uncertain Significance.

NM_001197104.2(KMT2A):c.5583T>G (p.Ser1861Arg)

Gene: KMT2A (lysine methyltransferase 2A; plus strand). Cytogenetic location: 11q23.3.
Variant type: single nucleotide variant.
Coding change: c.5583T>G on transcript NM_001197104.2 (MANE Select); coding-DNA position 5583, T replaced by G.
Protein change: p.Ser1861Arg; replaces serine 1861 with arginine.
Molecular consequence: missense variant.
Genome position (GRCh38, 1-based): chr11:118,496,286, T>G. VCF-style: chr11-118496286-T-G. GRCh37 (hg19) VCF-style: chr11-118367001-T-G.
Other names: c.5673T>G, p.Ser1891Arg (NM_001412597.1); c.5574T>G, p.Ser1858Arg (NM_005933.4); short protein forms S1858R, S1891R, S1861R.
Identifiers: ClinVar variation 1928371 (VCV001928371.5), dbSNP rs374588598, ClinGen allele CA6304079.